The following is an entry in ClinVar:

NM_001999.4(FBN2):c.7877A>G (p.His2626Arg)

Gene: FBN2 (fibrillin 2; minus strand). Cytogenetic location: 5q23.3.
Variant type: single nucleotide variant.
Coding change: c.7877A>G on transcript NM_001999.4 (MANE Select); coding-DNA position 7877, A replaced by G.
Protein change: p.His2626Arg; replaces histidine 2626 with arginine.
Molecular consequence: missense variant.
Genome position (GRCh38, 1-based): chr5:128,272,082, T>C on the plus strand (A>G on the coding strand, the complement: FBN2 is on the minus strand). VCF-style: chr5-128272082-T-C. GRCh37 (hg19) VCF-style: chr5-127607774-T-C.
Other names: short protein forms H2626R.
Identifiers: ClinVar variation 3513661 (VCV003513661.1).

ClinVar aggregate classification (germline): Uncertain significance (1 of 4 stars; one submission).

Conditions:
Familial thoracic aortic aneurysm and aortic dissection (TAAD). Also called: Thoracic aortic aneurysms and dissections. Identifiers: Orphanet 91387, MedGen C4707243, MONDO:0019625.

gnomAD v4.1: 2 of 1,614,076 alleles (0.00012%); highest among the groups gnomAD compares: Non-Finnish European, 0.00017%; no homozygotes.

Submission:

Ambry Genetics
Classification: Uncertain significance for Familial thoracic aortic aneurysm and aortic dissection. Last evaluated: 2024-11-14. Review status: criteria provided, single submitter. Criteria: Ambry Variant Classification Scheme 2023. Collection method: clinical testing. Allele origin: germline.
Comment: The p.H2626R variant (also known as c.7877A>G), located in coding exon 62 of the FBN2 gene, results from an A to G substitution at nucleotide position 7877. The histidine at codon 2626 is replaced by arginine, an amino acid with highly similar properties. This amino acid position is highly conserved in available vertebrate species. In addition, this alteration is predicted to be deleterious by in silico analysis. Based on the available evidence, the clinical significance of this variant remains unclear.